The following is an entry in ClinVar:

NM_000064.4(C3):c.4817G>A (p.Gly1606Asp)

Gene: C3 (complement C3; minus strand). Cytogenetic location: 19p13.3.
Variant type: single nucleotide variant.
Coding change: c.4817G>A on transcript NM_000064.4 (MANE Select); coding-DNA position 4817, G replaced by A.
Protein change: p.Gly1606Asp; replaces glycine 1606 with aspartic acid.
Molecular consequence: missense variant.
Genome position (GRCh38, 1-based): chr19:6,678,185, C>T on the plus strand (G>A on the coding strand, the complement: C3 is on the minus strand). VCF-style: chr19-6678185-C-T. GRCh37 (hg19) VCF-style: chr19-6678196-C-T.
Other names: short protein forms G1606D.
Identifiers: ClinVar variation 4280238 (VCV004280238.1).
Genomic context (GRCh38, chr19:6,678,185, plus strand): 5'-GCGCGCACGCGCAGGGAAAGCACTCACTTGGGCTTCTCTCCCCAGAAATCGGAGGAGAGA[C>T]CCCACATGAGGTAGTGTTTCTTCTCCTCCAGCTTCAGGGCTTCTCTGCACTTGATGGGGC-3'
Protein context (NP_000055.2, residues 1596-1616): LEEKKHYLMW[Gly1606Asp]LSSDFWGEKP

ClinVar aggregate classification (germline): Uncertain significance (1 of 4 stars; one submission).

Conditions:
Complement component 3 deficiency. Identifiers: Orphanet 280133, MedGen C3151071, MONDO:0013417, OMIM 613779.
C3 glomerulonephritis. Also called: Nephropathy due to CFHR5 Deficiency; C3 GLOMERULOPATHY 3. Identifiers: Orphanet 329931, MedGen C4055342, MONDO:0013892, OMIM 614809.
Atypical hemolytic-uremic syndrome. Identifiers: Orphanet 2134, MedGen C2931788, MONDO:0016244.

Submission:

Genomenon, Inc
Classification: Uncertain significance for Complement component 3 deficiency; C3 glomerulonephritis; Atypical hemolytic-uremic syndrome. Last evaluated: 2025-09-30. Review status: criteria provided, single submitter. Criteria: Genomenon Sequence Variant Interpretation Standards. Collection method: curation. Allele origin: germline. Affected: no.
Comment: C3 p.Gly1606Asp (c.4817G>A) is a missense variant that changes the amino acid at residue 1606 from Glycine to Aspartic acid. This variant has been reported in the published literature (PMID:30131807). It is absent or not present at a significant frequency in gnomAD. In silico models agree that this variant is possibly or probably damaging. In conclusion, we classify C3 p.Gly1606Asp (c.4817G>A) as a variant of unknown significance.

Literature cited by the submitters: PubMed 30131807.